The following is an entry in ClinVar:

ClinVar aggregate classification (germline): Pathogenic (1 of 4 stars; one submission).

Conditions:
Primary ciliary dyskinesia 3. Identifiers: Orphanet 244, MedGen C1837618, MONDO:0012085, OMIM 608644.

Submission:

Myriad Genetics, Inc.
Classification: Pathogenic for Primary ciliary dyskinesia 3. Last evaluated: 2024-05-14. Review status: criteria provided, single submitter. Criteria: Myriad Autosomal Dominant, Autosomal Recessive and X-Linked Classification Criteria (2023). Collection method: clinical testing. Allele origin: unknown.
Comment: NM_001369.2(DNAH5):c.7588_7589ins13(D2530Vfs*2) is expected to be pathogenic in the context of primary ciliary dyskinesia, DNAH5-related. This variant is predicted to lead to an abnormal or absent protein product due to the creation of a premature termination codon in DNAH5, a gene where loss-of-function variants are known to be pathogenic. Please note: this variant was assessed in the context of healthy population screening.

NM_001369.3(DNAH5):c.7588_7589insTATAAGAGACAGT (p.Asp2530delinsValTer)

Gene: DNAH5 (dynein axonemal heavy chain 5; minus strand). Cytogenetic location: 5p15.2.
Variant type: Insertion.
Coding change: c.7588_7589insTATAAGAGACAGT on transcript NM_001369.3 (MANE Select); coding-DNA positions 7588 to 7589, TATAAGAGACAGT inserted.
Protein change: p.Asp2530delinsValTer.
Molecular consequence: nonsense.
Genome position: GRCh38 VCF-style: chr5-13810079-T-TACTGTCTCTTATA. GRCh37 (hg19) VCF-style: chr5-13810188-T-TACTGTCTCTTATA.
Identifiers: ClinVar variation 5010910 (VCV005010910.1).